The following is an entry in ClinVar:

NM_005340.7(HINT1):c.112-2A>G

Gene: HINT1 (histidine triad nucleotide binding protein 1; minus strand). Cytogenetic location: 5q23.3.
Variant type: single nucleotide variant.
Coding change: c.112-2A>G on transcript NM_005340.7 (MANE Select); the canonical splice acceptor site of the intron before coding-DNA position 112, A replaced by G.
Molecular consequence: splice acceptor variant.
Genome position (GRCh38, 1-based): chr5:131,162,678, T>C on the plus strand (A>G on the coding strand, the complement: HINT1 is on the minus strand). VCF-style: chr5-131162678-T-C. GRCh37 (hg19) VCF-style: chr5-130498371-T-C.
Identifiers: ClinVar variation 3896880 (VCV003896880.1).
Genomic context (GRCh38, chr5:131,162,678, plus strand): 5'-TTGGGTATCACCAGAAAATGTGTTGGTGCTTGAGGGGAAATGTCATGGAAAGCAAGGCAC[T>C]AGGGAAAAGAGAAATAAATAAATAAATCAAACTTTTAGTATATTGGTAGGATAAAACTTA-3'

ClinVar aggregate classification (germline): Likely pathogenic (1 of 4 stars; one submission).

Conditions:
Autosomal recessive axonal neuropathy with neuromyotonia (NMAN). Also called: MYOKYMIA, MYOTONIA, AND MUSCLE WASTING; Neuromyotonia and axonal neuropathy, autosomal recessive; Gamstorp-Wohlfart syndrome. Identifiers: Orphanet 324442, MedGen C5700127, MONDO:0007646, OMIM 137200.

Submission:

Kariminejad - Najmabadi Pathology & Genetics Center
Classification: Likely pathogenic for Autosomal recessive axonal neuropathy with neuromyotonia. Last evaluated: 2024-03-11. Review status: criteria provided, single submitter. Criteria: ACMG Guidelines, 2015. Collection method: clinical testing. Allele origin: germline. Inheritance: Autosomal recessive inheritance. Affected: yes.
Comment: PVS1,PM2